The following is an entry in ClinVar:

NM_001080432.3(FTO):c.1195C>T (p.Pro399Ser)

Gene: FTO (FTO alpha-ketoglutarate dependent dioxygenase; plus strand). Cytogenetic location: 16q12.2.
Variant type: single nucleotide variant.
Coding change: c.1195C>T on transcript NM_001080432.3 (MANE Select); coding-DNA position 1195, C replaced by T.
Protein change: p.Pro399Ser; replaces proline 399 with serine.
Molecular consequence: missense variant.
Genome position (GRCh38, 1-based): chr16:53,888,907, C>T. VCF-style: chr16-53888907-C-T. GRCh37 (hg19) VCF-style: chr16-53922819-C-T.
Other names: c.1225C>T, p.Pro409Ser (NM_001363891.2); c.1195C>T, p.Pro399Ser (NM_001363894.2, NM_001363896.2, NM_001363903.2 and 1 more transcripts); c.1117C>T, p.Pro373Ser (NM_001363897.2); c.1081C>T, p.Pro361Ser (NM_001363898.2, NM_001363899.2); c.1051C>T, p.Pro351Ser (NM_001363900.2, NM_001363901.2); c.682C>T, p.Pro228Ser (NM_001363905.2); c.1195C>T (NM_001080432.2); short protein forms P399S, P228S, P373S, P351S, P361S, P409S.
Identifiers: ClinVar variation 1938829 (VCV001938829.6), dbSNP rs776456069, ClinGen allele CA396121097.

ClinVar aggregate classification (germline): Uncertain significance. Review status: criteria provided, multiple submitters, no conflicts (2 of 4 stars). 2 submissions from 2 submitters: Uncertain significance (2). Last evaluated 2025-08-08.

Conditions:
Inborn genetic diseases. Identifiers: MedGen C0950123, MeSH D030342.

Submissions (2):

Ambry Genetics
Classification: Uncertain significance for Inborn genetic diseases. Last evaluated: 2025-08-08. Review status: criteria provided, single submitter. Criteria: Ambry Variant Classification Scheme 2023. Collection method: clinical testing. Allele origin: germline.

Labcorp Genetics (formerly Invitae), Labcorp
Classification: Uncertain significance. Last evaluated: 2022-03-26. Review status: criteria provided, single submitter. Criteria: Invitae Variant Classification Sherloc (09022015). Collection method: clinical testing. Allele origin: germline.
Comment: This variant is present in population databases (no rsID available, gnomAD 0.009%). In summary, the available evidence is currently insufficient to determine the role of this variant in disease. Therefore, it has been classified as a Variant of Uncertain Significance. Algorithms developed to predict the effect of missense changes on protein structure and function are either unavailable or do not agree on the potential impact of this missense change (SIFT: "Tolerated"; PolyPhen-2: "Possibly Damaging"; Align-GVGD: "Class C0"). This variant has not been reported in the literature in individuals affected with FTO-related conditions. This sequence change replaces proline, which is neutral and non-polar, with serine, which is neutral and polar, at codon 399 of the FTO protein (p.Pro399Ser).